The following is an entry in ClinVar:

NM_138775.3(ALKBH8):c.1580A>G (p.Lys527Arg)

Gene: ALKBH8 (alkB homolog 8, tRNA methyltransferase; minus strand). Cytogenetic location: 11q22.3.
Variant type: single nucleotide variant.
Coding change: c.1580A>G on transcript NM_138775.3 (MANE Select); coding-DNA position 1580, A replaced by G.
Protein change: p.Lys527Arg; replaces lysine 527 with arginine.
Molecular consequence: missense variant. On other transcripts: non-coding transcript variant (6).
Genome position (GRCh38, 1-based): chr11:107,505,073, T>C on the plus strand (A>G on the coding strand, the complement: ALKBH8 is on the minus strand). VCF-style: chr11-107505073-T-C. GRCh37 (hg19) VCF-style: chr11-107375799-T-C.
Other names: c.1580A>G, p.Lys527Arg (NM_001301010.3); c.1430A>G, p.Lys477Arg (NM_001378133.1); short protein forms K477R, K527R.
Identifiers: ClinVar variation 4538260 (VCV004538260.2).
Genomic context (GRCh38, chr11:107,505,073, plus strand): 5'-TCACGCATTTGCTCCACAAGTGACCTCTGCACTGAGGTATCACTGTTCATCTCCTCTTTC[T>C]TTCCTTGGCTATTTCTGTTTCCTCTAAGATACTTGGACTTCTGCTTATTATATTCTTGTT-3'
Protein context (NP_620130.2, residues 517-537): YLRGNRNSQG[Lys527Arg]KEEMNSDTSV

ClinVar aggregate classification (germline): Conflicting classifications of pathogenicity. Review status: criteria provided, conflicting classifications (1 of 4 stars). 2 submissions from 2 submitters: Uncertain significance (1); Likely benign (1). Last evaluated 2025-05-27.

gnomAD v4.1: 301 of 1,551,666 alleles (0.019%); highest among the groups gnomAD compares: African/African-American, 0.35%; no homozygotes.

Submissions (2):

Greenwood Genetic Center Diagnostic Laboratories, Greenwood Genetic Center
Classification: Uncertain significance. Last evaluated: 2025-05-27. Review status: criteria provided, single submitter. Criteria: ACMG Guidelines, 2015. Collection method: clinical testing. Allele origin: germline. Affected: yes.
Comment: BP4

Blueprint Genetics
Classification: Likely benign. Last evaluated: 2021-11-29. Review status: criteria provided, single submitter. Criteria: ACMG Guidelines, 2015. Collection method: clinical testing. Allele origin: germline.